The following is an entry in ClinVar:

NM_000270.4(PNP):c.652+5G>A

Gene: PNP (purine nucleoside phosphorylase; plus strand). Cytogenetic location: 14q11.2.
Variant type: single nucleotide variant.
Coding change: c.652+5G>A on transcript NM_000270.4 (MANE Select); 5 bases into the intron after coding-DNA position 652, G replaced by A.
Molecular consequence: intron variant.
Genome position (GRCh38, 1-based): chr14:20,475,257, G>A. VCF-style: chr14-20475257-G-A. GRCh37 (hg19) VCF-style: chr14-20943416-G-A.
Identifiers: ClinVar variation 1900513 (VCV001900513.2), dbSNP rs772222236, ClinGen allele CA7082188.
Genomic context (GRCh38, chr14:20,475,257, plus strand): 5'-CTTTGAGACTGTGGCAGAATGTCGTGTGCTGCAGAAGCTGGGAGCAGACGCTGTTGGTGA[G>A]AAGGGGAATTTGGCTGGAAGCTTGAAGAGGGAGGGGTTTAGCAAAATGGGAAGGGGAAGG-3'

ClinVar aggregate classification (germline): Uncertain significance (1 of 4 stars; one submission).

Conditions:
Purine-nucleoside phosphorylase deficiency. Also called: NUCLEOSIDE PHOSPHORYLASE DEFICIENCY; Immunodeficiency due to purine nucleoside phosphorylase deficiency. Identifiers: Orphanet 760, MedGen C0268125, MONDO:0013171, OMIM 613179.

Allele frequency attached by ClinVar (database versions not stated): gnomAD 0.00001; gnomAD exomes 0.00005; ExAC 0.00013.

Submission:

Labcorp Genetics (formerly Invitae), Labcorp
Classification: Uncertain significance for Purine-nucleoside phosphorylase deficiency. Last evaluated: 2022-02-03. Review status: criteria provided, single submitter. Criteria: Invitae Variant Classification Sherloc (09022015). Collection method: clinical testing. Allele origin: germline.
Comment: This sequence change falls in intron 5 of the PNP gene. It does not directly change the encoded amino acid sequence of the PNP protein. It affects a nucleotide within the consensus splice site. This variant is present in population databases (rs772222236, gnomAD 0.07%). This variant has not been reported in the literature in individuals affected with PNP-related conditions. Variants that disrupt the consensus splice site are a relatively common cause of aberrant splicing (PMID: 17576681, 9536098). Algorithms developed to predict the effect of sequence changes on RNA splicing suggest that this variant may disrupt the consensus splice site. In summary, the available evidence is currently insufficient to determine the role of this variant in disease. Therefore, it has been classified as a Variant of Uncertain Significance.

Literature cited by the submitters: PubMed 17576681; PubMed 9536098.